The following is an entry in ClinVar:

NM_032977.4(CASP10):c.802A>C (p.Thr268Pro)

Gene: CASP10 (caspase 10; plus strand). Cytogenetic location: 2q33.1.
Variant type: single nucleotide variant.
Coding change: c.802A>C on transcript NM_032977.4 (MANE Select); coding-DNA position 802, A replaced by C.
Protein change: p.Thr268Pro; replaces threonine 268 with proline.
Molecular consequence: missense variant. On other transcripts: intron variant (4).
Genome position (GRCh38, 1-based): chr2:201,205,962, A>C. VCF-style: chr2-201205962-A-C. GRCh37 (hg19) VCF-style: chr2-202070685-A-C.
Other names: c.802A>C, p.Thr268Pro (NM_032974.5); c.685-2113A>C (NM_001206542.2, NM_001230.5); c.722-2113A>C (NM_032976.4); c.721+2196A>C (NM_001206524.2); short protein forms T268P.
Identifiers: ClinVar variation 847605 (VCV000847605.12), dbSNP rs770921459, ClinGen allele CA2053049.
Genomic context (GRCh38, chr2:201,205,962, plus strand): 5'-GCACCAAGCCTGGTCTCCAGGGGGATGCAAGGAGCATCTGCTAACACTCTAAACTCTGAA[A>C]CCAGCACAAAGGTCTGGATGGTTTCTTTTATTCCTTTTTTAATAAAAAAATTTTTTTTCC-3'
Protein context (NP_116759.2, residues 258-278): GASANTLNSE[Thr268Pro]STKRAAVYRM

ClinVar aggregate classification (germline): Uncertain significance (1 of 4 stars; one submission).

Conditions:
Autoimmune lymphoproliferative syndrome type 2A (ALPS2A). Also called: AUTOIMMUNE LYMPHOPROLIFERATIVE SYNDROME, TYPE IIA; Autoimmune lymphoproliferative syndrome type 2; CASP10-Related Autoimmune Lymphoproliferative Syndrome. Identifiers: Orphanet 3261, MedGen C1858968, MONDO:0011383, OMIM 603909.

Allele frequency attached by ClinVar (database versions not stated): gnomAD 0.00001; TOPMed 0.00003; gnomAD exomes 0.00006; ExAC 0.00012.
gnomAD v4.1: 42 of 1,610,062 alleles (0.0026%); highest among the groups gnomAD compares: Non-Finnish European, 0.0031%; no homozygotes.

Submission:

Labcorp Genetics (formerly Invitae), Labcorp
Classification: Uncertain significance for Autoimmune lymphoproliferative syndrome type 2A. Last evaluated: 2024-10-08. Review status: criteria provided, single submitter. Criteria: Invitae Variant Classification Sherloc (09022015). Collection method: clinical testing. Allele origin: germline.
Comment: This sequence change replaces threonine, which is neutral and polar, with proline, which is neutral and non-polar, at codon 268 of the CASP10 protein (p.Thr268Pro). This variant is present in population databases (rs770921459, gnomAD 0.01%). This variant has not been reported in the literature in individuals affected with CASP10-related conditions. ClinVar contains an entry for this variant (Variation ID: 847605). Invitae Evidence Modeling of protein sequence and biophysical properties (such as structural, functional, and spatial information, amino acid conservation, physicochemical variation, residue mobility, and thermodynamic stability) indicates that this missense variant is not expected to disrupt CASP10 protein function with a negative predictive value of 80%. In summary, the available evidence is currently insufficient to determine the role of this variant in disease. Therefore, it has been classified as a Variant of Uncertain Significance.